The following is an entry in ClinVar:

ClinVar aggregate classification (germline): Likely benign (1 of 4 stars; one submission).

Conditions:
DNAJC13-related disorder. Also called: DNAJC13-related condition.

Submission:

PreventionGenetics, part of Exact Sciences
Classification: Likely benign for DNAJC13-related condition. Last evaluated: 2025-07-15. Review status: criteria provided, single submitter. Criteria: ACMG Guidelines, 2015. Collection method: clinical testing. Allele origin: germline.
Comment: This variant is classified as likely benign based on ACMG/AMP sequence variant interpretation guidelines (Richards et al. 2015 PMID: 25741868, with internal and published modifications).

NM_015268.4(DNAJC13):c.4021-5T>C

Gene: DNAJC13 (DnaJ heat shock protein family (Hsp40) member C13; plus strand). Cytogenetic location: 3q22.1.
Variant type: single nucleotide variant.
Coding change: c.4021-5T>C on transcript NM_015268.4 (MANE Select); 5 bases into the intron before coding-DNA position 4021, T replaced by C.
Molecular consequence: intron variant.
Genome position (GRCh38, 1-based): chr3:132,496,523, T>C. VCF-style: chr3-132496523-T-C. GRCh37 (hg19) VCF-style: chr3-132215367-T-C.
Other names: c.4036-5T>C (NM_001329126.2).
Identifiers: ClinVar variation 4980486 (VCV004980486.1).